The following is an entry in ClinVar:

ClinVar aggregate classification (germline): Conflicting classifications of pathogenicity. Review status: criteria provided, conflicting classifications (1 of 4 stars). 4 submissions from 4 submitters: Likely pathogenic (3); Uncertain significance (1). Last evaluated 2025-04-05.

Conditions:
SMARCC2-related disorder. Also called: SMARCC2-related condition.
Coffin-Siris syndrome 8. Identifiers: MedGen C5193054, MONDO:0032702, OMIM 618362.

Submissions (4):

Dasa
Classification: Uncertain significance. Last evaluated: 2025-04-05. Review status: criteria provided, single submitter. Criteria: DASA Assertion Criteria. Collection method: clinical testing. Allele origin: germline.
Comment: NM_001330288.2(SMARCC2):c.3221dup (p.Gly1075Trpfs*33) is a frameshift variant in SMARCC2 predicted to alter the reading frame and introduce a premature termination codon and is predicted to result in an absent or altered protein product. Loss of function is an established disease mechanism for SMARCC2-associated disorders. Also, this variant is rare in population databases. The currently available literature and clinical evidence are not sufficient to establish a definitive association between this variant and the reported condition. Therefore, this variant is classified as a variant of uncertain significance.

GeneDx
Classification: Likely pathogenic. Last evaluated: 2024-09-30. Review status: criteria provided, single submitter. Criteria: GeneDx Variant Classification Process June 2021. Collection method: clinical testing. Allele origin: germline. Affected: yes.
Comment: Frameshift variant predicted to result in protein truncation or nonsense mediated decay in a gene for which loss of function is a known mechanism of disease; Has not been previously published as pathogenic or benign to our knowledge

PreventionGenetics, part of Exact Sciences
Classification: Likely pathogenic for SMARCC2-related condition. Last evaluated: 2023-01-12. Review status: criteria provided, single submitter. Criteria: ACMG Guidelines, 2015. Collection method: clinical testing. Allele origin: germline.
Comment: The SMARCC2 c.3128dupC variant is predicted to result in a frameshift and premature protein termination (p.Gly1044Trpfs*33). To our knowledge, this variant has not been reported in the literature. This variant is reported in 0.086% of alleles in individuals of African descent in gnomAD; however, this variant is located at the 3' end of a homopolymer sequence and quality metrics at this site indicate the gnomAD data may not be a reliable estimate of the population frequency. Frameshift variants in SMARCC2 are expected to be pathogenic. Taken together, this variant is interpreted as likely pathogenic.

Centre for Mendelian Genomics, University Medical Centre Ljubljana
Classification: Likely pathogenic for Coffin-Siris syndrome 8. Last evaluated: 2019-12-11. Review status: criteria provided, single submitter. Criteria: ACMG Guidelines, 2015. Collection method: clinical testing. Allele origin: unknown. Affected: yes.
Comment: This variant was classified as: Likely pathogenic. The following ACMG criteria were applied in classifying this variant: PVS1,PM6.

NM_001330288.2(SMARCC2):c.3221dup (p.Gly1075fs)

Gene: SMARCC2 (SWI/SNF related BAF chromatin remodeling complex subunit C2; minus strand). Cytogenetic location: 12q13.2.
Variant type: Duplication.
Coding change: c.3221dup on transcript NM_001330288.2 (MANE Select); coding-DNA position 3221, one base duplicated (C; older notation c.3221dupC).
Protein change: p.Gly1075fs; shifts the reading frame from glycine 1075.
Molecular consequence: frameshift variant.
Genome position (GRCh38, 1-based): chr12:56,165,329, G duplicated on the plus strand (C on the coding strand, the reverse complement: SMARCC2 is on the minus strand); the first of 8 consecutive G bases (chr12:56,165,329-56,165,336); duplicating any one gives the same sequence. VCF-style (leftmost placement, unchanged base first): chr12-56165328-A-AG. GRCh37 (hg19) VCF-style: chr12-56559112-A-AG.
Other names: c.3128dupC (NM_003075.4); c.3221dup, p.Gly1075fs (NM_001130420.3, NM_139067.4); c.3128dup, p.Gly1044fs (NM_003075.5); c.3128dup (NM_003075.3); short protein forms G1075fs, G1044fs.
Identifiers: ClinVar variation 931614 (VCV000931614.7), dbSNP rs752001894, ClinGen allele CA6625614.
Genomic context (GRCh38, chr12:56,165,328, plus strand): 5'-ATTCACCTGGATTCCTCTAGCCAACAAAAGTTCTGGAACATAACACTTACCATGGGGTCC[A>AG]GGGGGGGGAACCCCTGGTGGGACTGCCCCAGGCTGGGGGGCTCCAGCTGGTTGCTGCTGC-3'